The following is an entry in ClinVar:

NM_001170535.3(ATAD3A):c.503C>G (p.Ala168Gly)

Gene: ATAD3A (ATPase family AAA domain containing 3A; plus strand). Cytogenetic location: 1p36.33.
Variant type: single nucleotide variant.
Coding change: c.503C>G on transcript NM_001170535.3 (MANE Select); coding-DNA position 503, C replaced by G.
Protein change: p.Ala168Gly; replaces alanine 168 with glycine.
Molecular consequence: missense variant.
Genome position (GRCh38, 1-based): chr1:1,518,979, C>G. VCF-style: chr1-1518979-C-G. GRCh37 (hg19) VCF-style: chr1-1454359-C-G.
Other names: c.266C>G, p.Ala89Gly (NM_001170536.3); c.647C>G, p.Ala216Gly (NM_018188.5); short protein forms A168G, A216G, A89G.
Identifiers: ClinVar variation 1305459 (VCV001305459.2), dbSNP rs2100654391, ClinGen allele CA337852946.

ClinVar aggregate classification (germline): Uncertain significance (1 of 4 stars; one submission).

Submission:

GeneDx
Classification: Uncertain significance. Last evaluated: 2020-05-18. Review status: criteria provided, single submitter. Criteria: GeneDx Variant Classification Process June 2021. Collection method: clinical testing. Allele origin: germline. Affected: yes.
Comment: Not observed in large population cohorts (Lek et al., 2016); In silico analysis supports that this missense variant has a deleterious effect on protein structure/function; Has not been previously published as pathogenic or benign to our knowledge